The following is an entry in ClinVar:

ClinVar aggregate classification (germline): Likely pathogenic. Review status: criteria provided, multiple submitters, no conflicts (2 of 4 stars). 2 submissions from 2 submitters: Likely pathogenic (2). Last evaluated 2026-07-01.

Conditions:
Chilton-Okur-Chung neurodevelopmental syndrome (CHOCNS). Identifiers: MedGen C5677022, MONDO:0859239, OMIM 619841.

Submissions (2):

Wendy Chung Laboratory, Boston Children's Hospital
Classification: Likely pathogenic for Chilton-Okur-Chung neurodevelopmental syndrome. Last evaluated: 2026-07-01. Review status: criteria provided, single submitter. Criteria: ACMG Guidelines, 2015. Collection method: clinical testing. Allele origin: germline. Affected: yes.

GeneDx
Classification: Likely pathogenic. Last evaluated: 2026-01-25. Review status: criteria provided, single submitter. Criteria: GeneDx Variant Classification Process June 2021. Collection method: clinical testing. Allele origin: germline.
Comment: Frameshift variant predicted to result in protein truncation or nonsense mediated decay in a gene for which loss of function is a known mechanism of disease; Not observed at significant frequency in large population cohorts (gnomAD); Has not been previously published as pathogenic or benign to our knowledge

NM_006035.4(CDC42BPB):c.4524_4525dup (p.Glu1509fs)

Gene: CDC42BPB (CDC42 binding protein kinase beta; minus strand). Cytogenetic location: 14q32.32.
Variant type: Duplication.
Coding change: c.4524_4525dup on transcript NM_006035.4 (MANE Select); coding-DNA positions 4524 to 4525, 2 bases duplicated (TG; older notation c.4524_4525dupTG).
Protein change: p.Glu1509fs; shifts the reading frame from glutamic acid 1509.
Molecular consequence: frameshift variant.
Genome position (GRCh38, 1-based): chr14:102,940,112-102,940,113, CA duplicated on the plus strand (TG on the coding strand, the reverse complement: CDC42BPB is on the minus strand). VCF-style (leftmost placement, unchanged base first): chr14-102940111-T-TCA. GRCh37 (hg19) VCF-style: chr14-103406448-T-TCA.
Other names: c.4446_4447dup, p.Glu1483fs (NM_001411054.1); c.4524_4525dup (NM_006035.3); short protein forms E1483fs, E1509fs.
Identifiers: ClinVar variation 4875545 (VCV004875545.2).